The following is an entry in ClinVar:

ClinVar aggregate classification (germline): Uncertain significance (1 of 4 stars; one submission).

Allele frequency attached by ClinVar (database versions not stated): gnomAD exomes below 0.00001.
gnomAD v4.1: 1 of 1,613,176 alleles (0.000062%); highest among the groups gnomAD compares: Non-Finnish European, 0.000085%; no homozygotes.

Submission:

Labcorp Genetics (formerly Invitae), Labcorp
Classification: Uncertain significance. Last evaluated: 2024-04-16. Review status: criteria provided, single submitter. Criteria: Invitae Variant Classification Sherloc (09022015). Collection method: clinical testing. Allele origin: germline.
Comment: This sequence change replaces threonine, which is neutral and polar, with alanine, which is neutral and non-polar, at codon 20 of the GABRB1 protein (p.Thr20Ala). This variant is not present in population databases (gnomAD no frequency). This variant has not been reported in the literature in individuals affected with GABRB1-related conditions. Advanced modeling of protein sequence and biophysical properties (such as structural, functional, and spatial information, amino acid conservation, physicochemical variation, residue mobility, and thermodynamic stability) performed at Invitae indicates that this missense variant is not expected to disrupt GABRB1 protein function with a negative predictive value of 95%. In summary, the available evidence is currently insufficient to determine the role of this variant in disease. Therefore, it has been classified as a Variant of Uncertain Significance.

NM_000812.4(GABRB1):c.58A>G (p.Thr20Ala)

Gene: GABRB1 (gamma-aminobutyric acid type A receptor subunit beta1; plus strand). Cytogenetic location: 4p12.
Variant type: single nucleotide variant.
Coding change: c.58A>G on transcript NM_000812.4 (MANE Select); coding-DNA position 58, A replaced by G.
Protein change: p.Thr20Ala; replaces threonine 20 with alanine.
Molecular consequence: missense variant.
Genome position (GRCh38, 1-based): chr4:47,031,709, A>G. VCF-style: chr4-47031709-A-G. GRCh37 (hg19) VCF-style: chr4-47033726-A-G.
Other names: short protein forms T20A.
Identifiers: ClinVar variation 2898259 (VCV002898259.3), dbSNP rs2475082709, ClinGen allele CA356805232.